The following is an entry in ClinVar:

ClinVar aggregate classification (germline): Uncertain significance. Review status: criteria provided, multiple submitters, no conflicts (2 of 4 stars). 2 submissions from 2 submitters: Uncertain significance (2). Last evaluated 2026-01-07.

Conditions:
Mitochondrial complex II deficiency, nuclear type 1. Also called: SUCCINATE CoQ REDUCTASE DEFICIENCY. Identifiers: Orphanet 3208, MedGen C5700310, MONDO:0100294, OMIM 252011.
Pheochromocytoma/paraganglioma syndrome 5. Also called: Paragangliomas 5; SDHA-Related Hereditary Paraganglioma-Pheochromocytoma Syndrome. Identifiers: Orphanet 29072, MedGen C3279992, MONDO:0013602, OMIM 614165.
Hereditary cancer-predisposing syndrome. Also called: Neoplastic Syndromes, Hereditary; Hereditary Cancer Syndrome; Hereditary neoplastic syndrome; Tumor predisposition. Identifiers: Orphanet 140162, MedGen C0027672, MeSH D009386, MONDO:0015356.

Allele frequency attached by ClinVar (database versions not stated): gnomAD exomes below 0.00001; TOPMed 0.00001; gnomAD 0.00002 and 0.00003.
gnomAD v4.1: 5 of 1,612,954 alleles (0.00031%); highest among the groups gnomAD compares: African/African-American, 0.0053%; no homozygotes.

Submissions (2):

Labcorp Genetics (formerly Invitae), Labcorp
Classification: Uncertain significance for Pheochromocytoma/paraganglioma syndrome 5; Mitochondrial complex II deficiency, nuclear type 1. Last evaluated: 2026-01-07. Review status: criteria provided, single submitter. Criteria: Invitae Variant Classification Sherloc (09022015). Collection method: clinical testing. Allele origin: germline.
Comment: This sequence change replaces methionine, which is neutral and non-polar, with valine, which is neutral and non-polar, at codon 556 of the SDHA protein (p.Met556Val). This variant is present in population databases (no rsID available, gnomAD 0.01%). This variant has not been reported in the literature in individuals affected with SDHA-related conditions. ClinVar contains an entry for this variant (Variation ID: 472349). An algorithm developed to predict the effect of missense changes on protein structure and function outputs the following: PolyPhen-2: "Benign". The valine amino acid residue is found in multiple mammalian species, which suggests that this missense change does not adversely affect protein function. In summary, the available evidence is currently insufficient to determine the role of this variant in disease. Therefore, it has been classified as a Variant of Uncertain Significance.

Ambry Genetics
Classification: Uncertain significance for Hereditary cancer-predisposing syndrome. Last evaluated: 2024-10-02. Review status: criteria provided, single submitter. Criteria: Ambry Variant Classification Scheme 2023. Collection method: clinical testing. Allele origin: germline.
Comment: The p.M556V variant (also known as c.1666A>G), located in coding exon 13 of the SDHA gene, results from an A to G substitution at nucleotide position 1666. The methionine at codon 556 is replaced by valine, an amino acid with highly similar properties. This amino acid position is not well conserved in available vertebrate species. In addition, the in silico prediction for this alteration is inconclusive. Since supporting evidence is limited at this time, the clinical significance of this alteration remains unclear.

NM_004168.4(SDHA):c.1666A>G (p.Met556Val)

Gene: SDHA (succinate dehydrogenase complex flavoprotein subunit A; plus strand). Cytogenetic location: 5p15.33.
Variant type: single nucleotide variant.
Coding change: c.1666A>G on transcript NM_004168.4 (MANE Select); coding-DNA position 1666, A replaced by G.
Protein change: p.Met556Val; replaces methionine 556 with valine.
Molecular consequence: missense variant. On other transcripts: intron variant (1).
Genome position (GRCh38, 1-based): chr5:251,340, A>G. VCF-style: chr5-251340-A-G. GRCh37 (hg19) VCF-style: chr5-251455-A-G.
Other names: c.1522A>G, p.Met508Val (NM_001294332.2); c.1552-3053A>G (NM_001330758.2); short protein forms M556V, M508V.
Identifiers: ClinVar variation 472349 (VCV000472349.11), dbSNP rs980397872, ClinGen allele CA112783554.